The following is an entry in ClinVar:

NM_005245.4(FAT1):c.7241C>G (p.Ala2414Gly)

Gene: FAT1 (FAT atypical cadherin 1; minus strand). Cytogenetic location: 4q35.2.
Variant type: single nucleotide variant.
Coding change: c.7241C>G on transcript NM_005245.4 (MANE Select); coding-DNA position 7241, C replaced by G.
Protein change: p.Ala2414Gly; replaces alanine 2414 with glycine.
Molecular consequence: missense variant.
Genome position (GRCh38, 1-based): chr4:186,619,345, G>C on the plus strand (C>G on the coding strand, the complement: FAT1 is on the minus strand). VCF-style: chr4-186619345-G-C. GRCh37 (hg19) VCF-style: chr4-187540499-G-C.
Other names: short protein forms A2414G.
Identifiers: ClinVar variation 3611378 (VCV003611378.2).

ClinVar aggregate classification (germline): Uncertain significance (1 of 4 stars; one submission).

Submission:

Labcorp Genetics (formerly Invitae), Labcorp
Classification: Uncertain significance. Last evaluated: 2024-01-23. Review status: criteria provided, single submitter. Criteria: Invitae Variant Classification Sherloc (09022015). Collection method: clinical testing. Allele origin: germline.
Comment: This sequence change replaces alanine, which is neutral and non-polar, with glycine, which is neutral and non-polar, at codon 2414 of the FAT1 protein (p.Ala2414Gly). This variant is not present in population databases (gnomAD no frequency). This variant has not been reported in the literature in individuals affected with FAT1-related conditions. Advanced modeling of protein sequence and biophysical properties (such as structural, functional, and spatial information, amino acid conservation, physicochemical variation, residue mobility, and thermodynamic stability) has been performed at Invitae for this missense variant, however the output from this modeling did not meet the statistical confidence thresholds required to predict the impact of this variant on FAT1 protein function. In summary, the available evidence is currently insufficient to determine the role of this variant in disease. Therefore, it has been classified as a Variant of Uncertain Significance.